The following is an entry in ClinVar:

ClinVar aggregate classification (germline): Uncertain significance (0 of 4 stars; one submission).

Conditions:
PLXNA2-related disorder. Also called: PLXNA2-related condition.

gnomAD v4.1: 5 of 1,613,908 alleles (0.00031%); highest among the groups gnomAD compares: Non-Finnish European, 0.00042%; no homozygotes.

Submission:

PreventionGenetics, part of Exact Sciences
Classification: Uncertain significance for PLXNA2-related condition. Last evaluated: 2024-01-11. Review status: no assertion criteria provided. Collection method: clinical testing. Allele origin: germline.
Comment: The PLXNA2 c.86C>A variant is predicted to result in the amino acid substitution p.Ala29Asp. To our knowledge, this variant has not been reported in the literature or in a large population database, indicating this variant is rare. At this time, the clinical significance of this variant is uncertain due to the absence of conclusive functional and genetic evidence.

NM_025179.4(PLXNA2):c.86C>A (p.Ala29Asp)

Gene: PLXNA2 (plexin A2; minus strand). Cytogenetic location: 1q32.2.
Variant type: single nucleotide variant.
Coding change: c.86C>A on transcript NM_025179.4 (MANE Select); coding-DNA position 86, C replaced by A.
Protein change: p.Ala29Asp; replaces alanine 29 with aspartic acid.
Molecular consequence: missense variant.
Genome position (GRCh38, 1-based): chr1:208,217,837, G>T on the plus strand (C>A on the coding strand, the complement: PLXNA2 is on the minus strand). VCF-style: chr1-208217837-G-T. GRCh37 (hg19) VCF-style: chr1-208391182-G-T.
Other names: short protein forms A29D.
Identifiers: ClinVar variation 3348136 (VCV003348136.1).